The following is an entry in ClinVar:

NM_001089.3(ABCA3):c.3504C>T (p.Asp1168=)

Gene: ABCA3 (ATP binding cassette subfamily A member 3; minus strand). Cytogenetic location: 16p13.3.
Variant type: single nucleotide variant.
Coding change: c.3504C>T on transcript NM_001089.3 (MANE Select); coding-DNA position 3504, C replaced by T.
Protein change: p.Asp1168=; no amino-acid change (aspartic acid 1168 retained).
Molecular consequence: synonymous variant.
Genome position (GRCh38, 1-based): chr16:2,284,978, G>A on the plus strand (C>T on the coding strand, the complement: ABCA3 is on the minus strand). VCF-style: chr16-2284978-G-A. GRCh37 (hg19) VCF-style: chr16-2334979-G-A.
Identifiers: ClinVar variation 886412 (VCV000886412.9), dbSNP rs141725577, ClinGen allele CA7840478.

ClinVar aggregate classification (germline): Conflicting classifications of pathogenicity. Review status: criteria provided, conflicting classifications (1 of 4 stars). 4 submissions from 4 submitters: Uncertain significance (1); Likely benign (3). Last evaluated 2025-12-06.

Conditions:
Hereditary pulmonary alveolar proteinosis. Also called: Pulmonary surfactant metabolism dysfunction. Identifiers: Orphanet 264675, MedGen C3711368, MONDO:0012580.
Interstitial lung disease due to ABCA3 deficiency. Also called: PULMONARY ALVEOLAR PROTEINOSIS, CONGENITAL, 3. Identifiers: Orphanet 440402, MedGen C1970456, MONDO:0012582, OMIM 610921.
ABCA3-related disorder. Also called: ABCA3-related condition.

Allele frequency attached by ClinVar (database versions not stated): gnomAD 0.00001 and 0.00002; TOPMed 0.00005; ESP Exome Variant Server 0.00008.
gnomAD v4.1: 79 of 1,613,516 alleles (0.0049%); highest among the groups gnomAD compares: Non-Finnish European, 0.0061%; no homozygotes.

Submissions (4):

PreventionGenetics, part of Exact Sciences
Classification: Likely benign for ABCA3-related condition. Last evaluated: 2025-12-06. Review status: criteria provided, single submitter. Criteria: ACMG Guidelines, 2015. Collection method: clinical testing. Allele origin: germline.
Comment: This variant is classified as likely benign based on ACMG/AMP sequence variant interpretation guidelines (Richards et al. 2015 PMID: 25741868, with internal and published modifications).

Labcorp Genetics (formerly Invitae), Labcorp
Classification: Likely benign. Last evaluated: 2025-08-19. Review status: criteria provided, single submitter. Criteria: Invitae Variant Classification Sherloc (09022015). Collection method: clinical testing. Allele origin: germline.

Ambry Genetics
Classification: Likely benign for Hereditary pulmonary alveolar proteinosis. Last evaluated: 2024-11-10. Review status: criteria provided, single submitter. Criteria: Ambry Variant Classification Scheme 2023. Collection method: clinical testing. Allele origin: germline.

Illumina Laboratory Services, Illumina
Classification: Uncertain significance for Interstitial lung disease due to ABCA3 deficiency. Last evaluated: 2018-01-13. Review status: criteria provided, single submitter. Criteria: ICSL Variant Classification Criteria 13 December 2019. Collection method: clinical testing. Allele origin: germline.